The following is an entry in ClinVar:

NM_201384.3(PLEC):c.5318G>A (p.Arg1773Lys)

Gene: PLEC (plectin; minus strand). Cytogenetic location: 8q24.3.
Variant type: single nucleotide variant.
Coding change: c.5318G>A on transcript NM_201384.3 (MANE Select); coding-DNA position 5318, G replaced by A.
Protein change: p.Arg1773Lys; replaces arginine 1773 with lysine.
Molecular consequence: missense variant.
Genome position (GRCh38, 1-based): chr8:143,924,611, C>T on the plus strand (G>A on the coding strand, the complement: PLEC is on the minus strand). VCF-style: chr8-143924611-C-T. GRCh37 (hg19) VCF-style: chr8-144998779-C-T.
Other names: c.5399G>A, p.Arg1800Lys (NM_000445.5); c.5276G>A, p.Arg1759Lys (NM_201378.4); c.5252G>A, p.Arg1751Lys (NM_201379.3); c.5729G>A, p.Arg1910Lys (NM_201380.4); c.5222G>A, p.Arg1741Lys (NM_201381.3); c.5318G>A, p.Arg1773Lys (NM_201382.4); c.5330G>A, p.Arg1777Lys (NM_201383.3); short protein forms R1741K, R1751K, R1759K, R1773K, R1777K, R1800K, R1910K.
Identifiers: ClinVar variation 498122 (VCV000498122.9), dbSNP rs2857827, ClinGen allele CA187615836.

ClinVar aggregate classification (germline): Uncertain significance. Review status: criteria provided, multiple submitters, no conflicts (2 of 4 stars). 2 submissions from 2 submitters: Uncertain significance (2). Last evaluated 2022-11-17.

Conditions:
Epidermolysis bullosa simplex 5B, with muscular dystrophy (EBS5B). Also called: EPIDERMOLYSIS BULLOSA SIMPLEX AND LIMB-GIRDLE MUSCULAR DYSTROPHY; Epidermolysis bullosa simplex with muscular dystrophy. Identifiers: Orphanet 257, MedGen C2931072, MONDO:0009181, OMIM 226670.
Epidermolysis bullosa simplex, Ogna type (EBS5A). Also called: Pidermolysis bullosa simplex 5A, Ogna type; EPIDERMOLYSIS BULLOSA SIMPLEX 5A, OGNA TYPE. Identifiers: Orphanet 79401, MedGen C0432317, MONDO:0007555, OMIM 131950.
Autosomal recessive limb-girdle muscular dystrophy type 2Q (LGMDR17). Also called: MUSCULAR DYSTROPHY, LIMB-GIRDLE, AUTOSOMAL RECESSIVE 17. Identifiers: Orphanet 254361, MedGen C3150989, MONDO:0013390, OMIM 613723.
Epidermolysis bullosa simplex 5C, with pyloric atresia (EBS5C). Also called: Epidermolysis bullosa simplex with pyloric atresia; PLEC1-Related Epidermolysis Bullosa with Pyloric Atresia; PLEC-Related Epidermolysis Bullosa with Pyloric Atresia. Identifiers: Orphanet 158684, MedGen C2677349, MONDO:0012807, OMIM 612138.
Epidermolysis bullosa simplex with nail dystrophy (EBS5D). Identifiers: MedGen C4225309, MONDO:0014661, OMIM 616487.

Submissions (2):

Labcorp Genetics (formerly Invitae), Labcorp
Classification: Uncertain significance for Autosomal recessive limb-girdle muscular dystrophy type 2Q; Epidermolysis bullosa simplex, Ogna type; Epidermolysis bullosa simplex with nail dystrophy; Epidermolysis bullosa simplex 5C, with pyloric atresia; Epidermolysis bullosa simplex 5B, with muscular dystrophy. Last evaluated: 2022-11-17. Review status: criteria provided, single submitter. Criteria: Invitae Variant Classification Sherloc (09022015). Collection method: clinical testing. Allele origin: germline.
Comment: This variant is not present in population databases (gnomAD no frequency). In summary, the available evidence is currently insufficient to determine the role of this variant in disease. Therefore, it has been classified as a Variant of Uncertain Significance. Algorithms developed to predict the effect of missense changes on protein structure and function output the following: SIFT: "Tolerated"; PolyPhen-2: "Not Available"; Align-GVGD: "Class C0". The lysine amino acid residue is found in multiple mammalian species, which suggests that this missense change does not adversely affect protein function. ClinVar contains an entry for this variant (Variation ID: 498122). This variant has not been reported in the literature in individuals affected with PLEC-related conditions. This sequence change replaces arginine, which is basic and polar, with lysine, which is basic and polar, at codon 1800 of the PLEC protein (p.Arg1800Lys).

Eurofins Ntd Llc (ga)
Classification: Uncertain significance. Last evaluated: 2016-12-01. Review status: criteria provided, single submitter. Criteria: EGL Classification Definitions 2015. Collection method: clinical testing. Allele origin: germline. Observed: 1 variant allele, 1 heterozygote.